The following is an entry in ClinVar:

NM_002485.5(NBN):c.2260A>C (p.Arg754=)

Gene: NBN (nibrin; minus strand). Cytogenetic location: 8q21.3.
Variant type: single nucleotide variant.
Coding change: c.2260A>C on transcript NM_002485.5 (MANE Select); coding-DNA position 2260, A replaced by C.
Protein change: p.Arg754=; no amino-acid change (arginine 754 retained).
Molecular consequence: synonymous variant.
Genome position (GRCh38, 1-based): chr8:89,935,587, T>G on the plus strand (A>C on the coding strand, the complement: NBN is on the minus strand). VCF-style: chr8-89935587-T-G. GRCh37 (hg19) VCF-style: chr8-90947815-T-G.
Other names: c.2014A>C, p.Arg672= (NM_001024688.3).
Identifiers: ClinVar variation 1314071 (VCV001314071.7), dbSNP rs2130735641, ClinGen allele CA461836136.

ClinVar aggregate classification (germline): Conflicting classifications of pathogenicity. Review status: criteria provided, conflicting classifications (1 of 4 stars). 2 submissions from 2 submitters: Uncertain significance (1); Likely benign (1). Last evaluated 2023-03-30.

Conditions:
Microcephaly, normal intelligence and immunodeficiency (NBS). Also called: IMMUNODEFICIENCY, MICROCEPHALY, AND CHROMOSOMAL INSTABILITY; Ataxia telangiectasia variant V1; Immunodeficiency, microcephaly with normal intelligence; SEEMANOVA SYNDROME II; Nijmegen breakage syndrome; Microcephaly with normal intelligence immunodeficiency and lymphoreticular malignancies. Identifiers: Orphanet 647, MedGen C0398791, MONDO:0009623, OMIM 251260.

Submissions (2):

GeneDx
Classification: Uncertain significance. Last evaluated: 2023-03-30. Review status: criteria provided, single submitter. Criteria: GeneDx Variant Classification Process June 2021. Collection method: clinical testing. Allele origin: germline. Affected: yes.
Comment: Not observed in large population cohorts (gnomAD); In silico analysis supports that this variant does not alter splicing; Has not been previously published as pathogenic or benign to our knowledge

Labcorp Genetics (formerly Invitae), Labcorp
Classification: Likely benign for Microcephaly, normal intelligence and immunodeficiency. Last evaluated: 2022-07-01. Review status: criteria provided, single submitter. Criteria: Invitae Variant Classification Sherloc (09022015). Collection method: clinical testing. Allele origin: germline.